The following is an entry in ClinVar:

ClinVar aggregate classification (germline): Likely pathogenic (1 of 4 stars; one submission).

Conditions:
Desmin-related myofibrillar myopathy (MFM1). Also called: Desminopathy; MYOFIBRILLAR MYOPATHY WITH ARRHYTHMOGENIC RIGHT VENTRICULAR CARDIOMYOPATHY; DESMIN-RELATED MYOPATHY WITH ARRHYTHMOGENIC RIGHT VENTRICULAR CARDIOMYOPATHY; Myofibrillar myopathy 1; Desmin related myopathy (former name); Desmin storage myopathy (former name). Identifiers: Orphanet 363543, Orphanet 98909, MedGen C1832370, MONDO:0011076, OMIM 601419.

Submission:

Labcorp Genetics (formerly Invitae), Labcorp
Classification: Likely pathogenic for Desmin-related myofibrillar myopathy. Last evaluated: 2020-06-29. Review status: criteria provided, single submitter. Criteria: Invitae Variant Classification Sherloc (09022015). Collection method: clinical testing. Allele origin: germline.
Comment: This variant has not been reported in the literature in individuals with DES-related conditions. This variant is not present in population databases (ExAC no frequency). This sequence change affects the initiator methionine of the DES mRNA. The next in-frame methionine is located at codon 263. This variant disrupts the initiator methionine in DES. If translation initiates from the next-in-frame methionine, the DES protein would no longer include the region containing p.Ser12 amino acid residue. Other variant(s) that disrupt this residue have been determined to be pathogenic (PMID: 20696008, Invitae). This suggests that this residue is clinically significant, and that variants that disrupt this residue are likely to be disease-causing. In summary, the currently available evidence indicates that the variant is pathogenic, but additional data are needed to prove that conclusively. Therefore, this variant has been classified as Likely Pathogenic.

Literature cited by the submitters: PubMed 20696008.

NM_001927.4(DES):c.2T>C (p.Met1Thr)

Gene: DES (desmin; plus strand). Cytogenetic location: 2q35.
Variant type: single nucleotide variant.
Coding change: c.2T>C on transcript NM_001927.4 (MANE Select); coding-DNA position 2, T replaced by C.
Protein change: p.Met1Thr; changes the start codon (methionine 1).
Molecular consequence: missense variant, initiator codon variant.
Genome position (GRCh38, 1-based): chr2:219,418,464, T>C. VCF-style: chr2-219418464-T-C. GRCh37 (hg19) VCF-style: chr2-220283186-T-C.
Other names: c.2T>C, p.Met1Thr (NM_001382708.1, NM_001382709.1, NM_001382710.1 and 3 more transcripts); short protein forms M1T.
Identifiers: ClinVar variation 1066470 (VCV001066470.10), dbSNP rs2125165615, ClinGen allele CA350681909.